The following is an entry in ClinVar:

NM_001256715.2(DNAAF3):c.86-68dup

Genes: DNAAF3 (dynein axonemal assembly factor 3; minus strand), DNAAF3-AS1 (DNAAF3 antisense RNA 1; plus strand). Cytogenetic location: 19q13.42.
Variant type: Duplication.
Coding change: c.86-68dup on transcript NM_001256715.2 (MANE Select); 68 bases into the intron before coding-DNA position 86, one base duplicated (T; older notation c.86-68dupT).
Molecular consequence: intron variant.
Genome position (GRCh38, 1-based): chr19:55,166,068, A duplicated on the plus strand (T on the coding strand, the reverse complement: DNAAF3 is on the minus strand); the first of 6 consecutive A bases (chr19:55,166,068-55,166,073); duplicating any one gives the same sequence. VCF-style (leftmost placement, unchanged base first): chr19-55166067-T-TA. GRCh37 (hg19) VCF-style: chr19-55677435-T-TA.
Other names: c.227-68dup (NM_178837.4); c.227-5dup (NM_001256714.1); c.-153-68dup (NM_001256716.2); c.227-5dupT (NM_001256714.1).
Identifiers: ClinVar variation 700064 (VCV000700064.11), dbSNP rs775192993, ClinGen allele CA9668244.

ClinVar aggregate classification (germline): Likely benign. Review status: criteria provided, multiple submitters, no conflicts (2 of 4 stars). 3 submissions from 3 submitters: Likely benign (2). 1 of the submissions does not count toward it. Last evaluated 2026-01-27.

Conditions:
DNAAF3-related disorder. Also called: DNAAF3-related condition.
Primary ciliary dyskinesia. Also called: Ciliary dyskinesia. Identifiers: Orphanet 244, MedGen C0008780, MONDO:0016575, HP:0012265.

Submissions (3):

Labcorp Genetics (formerly Invitae), Labcorp
Classification: Likely benign for Primary ciliary dyskinesia. Last evaluated: 2026-01-27. Review status: criteria provided, single submitter. Criteria: Invitae Variant Classification Sherloc (09022015). Collection method: clinical testing. Allele origin: germline.

Blueprint Genetics
Classification: Likely benign. Last evaluated: 2023-09-27. Review status: criteria provided, single submitter. Criteria: ACMG Guidelines, 2015. Collection method: clinical testing. Allele origin: germline.

PreventionGenetics, part of Exact Sciences
Classification: Likely benign for DNAAF3-related condition. Last evaluated: 2020-01-07. Review status: no assertion criteria provided. Collection method: clinical testing. Allele origin: germline. Not counted in ClinVar's aggregate classification.
Comment: This variant is classified as likely benign based on ACMG/AMP sequence variant interpretation guidelines (Richards et al. 2015 PMID: 25741868, with internal and published modifications).